The following is an entry in ClinVar:

ClinVar aggregate classification (germline): Pathogenic (1 of 4 stars; one submission).

Submission:

Labcorp Genetics (formerly Invitae), Labcorp
Classification: Pathogenic. Last evaluated: 2023-12-20. Review status: criteria provided, single submitter. Criteria: Invitae Variant Classification Sherloc (09022015). Collection method: clinical testing. Allele origin: germline.
Comment: This sequence change creates a premature translational stop signal (p.Phe80Serfs*10) in the PHEX gene. It is expected to result in an absent or disrupted protein product. Loss-of-function variants in PHEX are known to be pathogenic (PMID: 9097956, 9106524, 19219621). This variant is not present in population databases (gnomAD no frequency). This variant has not been reported in the literature in individuals affected with PHEX-related conditions. For these reasons, this variant has been classified as Pathogenic.

Literature cited by the submitters: PubMed 9097956; PubMed 9106524; PubMed 19219621.

NM_000444.6(PHEX):c.239del (p.Phe80fs)

Gene: PHEX (phosphate regulating endopeptidase X-linked; plus strand). Cytogenetic location: Xp22.11.
Variant type: Deletion.
Coding change: c.239del on transcript NM_000444.6 (MANE Select); coding-DNA position 239, one base deleted (T; older notation c.239delT).
Protein change: p.Phe80fs; shifts the reading frame from phenylalanine 80.
Molecular consequence: frameshift variant.
Genome position (GRCh38, 1-based): chrX:22,047,101, T deleted; the last of 3 consecutive T bases (chrX:22,047,099-22,047,101); deleting any one gives the same sequence. VCF-style (leftmost placement, unchanged base first): chrX-22047098-AT-A. GRCh37 (hg19) VCF-style: chrX-22065216-AT-A.
Other names: c.239del, p.Phe80fs (NM_001282754.2); short protein forms F80fs.
Identifiers: ClinVar variation 2762362 (VCV002762362.3), dbSNP rs2519722284, ClinGen allele CA2697552891.
Genomic context (GRCh38, chrX:22,047,098, plus strand): 5'-CTTTCTAAATAGCTGCTGCCATCTTAAGTAAAGTAAATCTGTCTGTGGATCCTTGTGATA[AT>A]TTCTTCCGGTTCGCTTGTGATGGCTGGATAAGCAATAATCCAATTCCCGAAGATATGCCA-3'